The following is an entry in ClinVar:

ClinVar aggregate classification (germline): Conflicting classifications of pathogenicity. Review status: criteria provided, conflicting classifications (1 of 4 stars). 7 submissions from 2 submitters: Uncertain significance (6); Likely benign (1). Last evaluated 2023-04-01.

Conditions:
Weill-Marchesani syndrome. Also called: WM Syndrome; Mesodermal dysmorphodystrophy congenital. Identifiers: Orphanet 3449, MedGen C0265313, MONDO:0018096.
Acromicric dysplasia (ACMICD). Also called: Acromicric skeletal dysplasia. Identifiers: Orphanet 969, MedGen C0265287, MONDO:0007055, OMIM 102370.
Marfan syndrome (MFS). Also called: MARFAN SYNDROME, TYPE I; Marfan syndrome type 1; Marfan's syndrome; FBN1-Related Marfan Syndrome; Marfan syndrome, classic. Identifiers: Orphanet 284963, Orphanet 558, MedGen C0024796, MONDO:0007947, OMIM 154700.
Familial thoracic aortic aneurysm and aortic dissection (TAAD). Also called: Thoracic aortic aneurysms and dissections. Identifiers: Orphanet 91387, MedGen C4707243, MONDO:0019625.
Stiff skin syndrome (SSKS). Identifiers: Orphanet 2833, MedGen C1861456, MONDO:0008492, OMIM 184900.
Ectopia lentis 1, isolated, autosomal dominant (ECTOL1). Identifiers: Orphanet 1885, MedGen C3541518, MONDO:0007514, OMIM 129600.

Allele frequency attached by ClinVar (database versions not stated): 1000 Genomes Project 0.00040; 1000 Genomes Project 30x 0.00047; TOPMed 0.00092; gnomAD 0.00100 and 0.00103.

Submissions (7):

CeGaT Center for Human Genetics Tuebingen
Classification: Likely benign. Last evaluated: 2023-04-01. Review status: criteria provided, single submitter. Criteria: CeGaT Center For Human Genetics Tuebingen Variant Classification Criteria Version 2. Collection method: clinical testing. Allele origin: germline. Affected: yes. Observed: 1 variant allele.
Comment: FBN1: BS1

Illumina Laboratory Services, Illumina
Classification: Uncertain significance for Familial thoracic aortic aneurysm and aortic dissection. Last evaluated: 2018-01-13. Review status: criteria provided, single submitter. Criteria: ICSL Variant Classification Criteria 13 December 2019. Collection method: clinical testing. Allele origin: germline.

Illumina Laboratory Services, Illumina
Classification: Uncertain significance for Acromicric dysplasia. Last evaluated: 2018-01-13. Review status: criteria provided, single submitter. Criteria: ICSL Variant Classification Criteria 13 December 2019. Collection method: clinical testing. Allele origin: germline.

Illumina Laboratory Services, Illumina
Classification: Uncertain significance for Stiff skin syndrome. Last evaluated: 2018-01-13. Review status: criteria provided, single submitter. Criteria: ICSL Variant Classification Criteria 13 December 2019. Collection method: clinical testing. Allele origin: germline.

Illumina Laboratory Services, Illumina
Classification: Uncertain significance for Marfan syndrome. Last evaluated: 2018-01-13. Review status: criteria provided, single submitter. Criteria: ICSL Variant Classification Criteria 13 December 2019. Collection method: clinical testing. Allele origin: germline.

Illumina Laboratory Services, Illumina
Classification: Uncertain significance for Weill-Marchesani syndrome. Last evaluated: 2018-01-13. Review status: criteria provided, single submitter. Criteria: ICSL Variant Classification Criteria 13 December 2019. Collection method: clinical testing. Allele origin: germline.

Illumina Laboratory Services, Illumina
Classification: Uncertain significance for Ectopia lentis 1, isolated, autosomal dominant. Last evaluated: 2018-01-13. Review status: criteria provided, single submitter. Criteria: ICSL Variant Classification Criteria 13 December 2019. Collection method: clinical testing. Allele origin: germline.

NM_000138.5(FBN1):c.*2024A>G

Gene: FBN1 (fibrillin 1; minus strand). Cytogenetic location: 15q21.1.
Variant type: single nucleotide variant.
Coding change: c.*2024A>G on transcript NM_000138.5 (MANE Select); 2024 bases downstream of the stop codon, A replaced by G.
Molecular consequence: 3 prime UTR variant.
Genome position (GRCh38, 1-based): chr15:48,408,966, T>C on the plus strand (A>G on the coding strand, the complement: FBN1 is on the minus strand). VCF-style: chr15-48408966-T-C. GRCh37 (hg19) VCF-style: chr15-48701163-T-C.
Identifiers: ClinVar variation 316316 (VCV000316316.33), dbSNP rs558488257, ClinGen allele CA10636123.